The following is an entry in ClinVar:

NM_172364.5(CACNA2D4):c.1702C>G (p.Pro568Ala)

Gene: CACNA2D4 (calcium voltage-gated channel auxiliary subunit alpha2delta 4; minus strand). Cytogenetic location: 12p13.33.
Variant type: single nucleotide variant.
Coding change: c.1702C>G on transcript NM_172364.5 (MANE Select); coding-DNA position 1702, C replaced by G.
Protein change: p.Pro568Ala; replaces proline 568 with alanine.
Molecular consequence: missense variant.
Genome position (GRCh38, 1-based): chr12:1,878,332, G>C on the plus strand (C>G on the coding strand, the complement: CACNA2D4 is on the minus strand). VCF-style: chr12-1878332-G-C. GRCh37 (hg19) VCF-style: chr12-1987498-G-C.
Other names: short protein forms P568A.
Identifiers: ClinVar variation 967578 (VCV000967578.9), dbSNP rs1441540477, ClinGen allele CA383353406.
Genomic context (GRCh38, chr12:1,878,332, plus strand): 5'-CCCATACAGTAAGGATCCCAAGGCAAAGAAGATCTGTACCTACCAGGGGCCGGAGGTCGG[G>C]ATGGGAGAGGATGTAGCCATTGTTGGTGTTCAGAAAGGCGTATCCGTGCACTCCAAGCTG-3'
Protein context (NP_758952.4, residues 558-578): NTNNGYILSH[Pro568Ala]DLRPLYREGK

ClinVar aggregate classification (germline): Uncertain significance (1 of 4 stars; one submission).

Allele frequency attached by ClinVar (database versions not stated): gnomAD exomes below 0.00001; TOPMed below 0.00001; gnomAD 0.00001.
gnomAD v4.1: 2 of 1,609,548 alleles (0.00012%); highest among the groups gnomAD compares: Non-Finnish European, 0.00017%; no homozygotes.

Submission:

Labcorp Genetics (formerly Invitae), Labcorp
Classification: Uncertain significance. Last evaluated: 2019-10-15. Review status: criteria provided, single submitter. Criteria: Invitae Variant Classification Sherloc (09022015). Collection method: clinical testing. Allele origin: germline.
Comment: Algorithms developed to predict the effect of missense changes on protein structure and function are either unavailable or do not agree on the potential impact of this missense change (SIFT: "Deleterious"; PolyPhen-2: "Probably Damaging"; Align-GVGD: "Class C0"). This sequence change replaces proline with alanine at codon 568 of the CACNA2D4 protein (p.Pro568Ala). The proline residue is highly conserved and there is a small physicochemical difference between proline and alanine. This variant is not present in population databases (ExAC no frequency). This variant has not been reported in the literature in individuals with CACNA2D4-related conditions. In summary, the available evidence is currently insufficient to determine the role of this variant in disease. Therefore, it has been classified as a Variant of Uncertain Significance.